The following is an entry in ClinVar:

NM_005263.5(GFI1):c.210_221del (p.Ser71_Ser74del)

Gene: GFI1 (growth factor independent 1 transcriptional repressor; minus strand). Cytogenetic location: 1p22.1.
Variant type: Deletion.
Coding change: c.210_221del on transcript NM_005263.5 (MANE Select); coding-DNA positions 210 to 221, 12 bases deleted (ATCCCCAGACAG).
Protein change: p.Ser71_Ser74del.
Molecular consequence: inframe deletion.
Genome position (GRCh38, 1-based): chr1:92,482,941-92,482,952, CTGTCTGGGGAT deleted on the plus strand (ATCCCCAGACAG on the coding strand, the reverse complement: GFI1 is on the minus strand). VCF-style (leftmost placement, unchanged base first): chr1-92482940-GCTGTCTGGGGAT-G. GRCh37 (hg19) VCF-style: chr1-92948497-GCTGTCTGGGGAT-G.
Other names: c.210_221del, p.Ser71_Ser74del (NM_001127215.3, NM_001127216.3).
Identifiers: ClinVar variation 1362512 (VCV001362512.9), dbSNP rs2101580166, ClinGen allele CA2573132617.

ClinVar aggregate classification (germline): Uncertain significance. Review status: criteria provided, multiple submitters, no conflicts (2 of 4 stars). 2 submissions from 2 submitters: Uncertain significance (2). Last evaluated 2024-01-22.

Conditions:
Neutropenia, severe congenital, 2, autosomal dominant. Identifiers: Orphanet 486, MedGen C2751288, MONDO:0013139, OMIM 613107.

Submissions (2):

Blueprint Genetics
Classification: Uncertain significance. Last evaluated: 2024-01-22. Review status: criteria provided, single submitter. Criteria: ACMG Guidelines, 2015. Collection method: clinical testing. Allele origin: germline.

Labcorp Genetics (formerly Invitae), Labcorp
Classification: Uncertain significance for Neutropenia, severe congenital, 2, autosomal dominant. Last evaluated: 2022-08-09. Review status: criteria provided, single submitter. Criteria: Invitae Variant Classification Sherloc (09022015). Collection method: clinical testing. Allele origin: germline.
Comment: ClinVar contains an entry for this variant (Variation ID: 1362512). This variant has not been reported in the literature in individuals affected with GFI1-related conditions. This variant is not present in population databases (gnomAD no frequency). This variant, c.210_221del, results in the deletion of 4 amino acid(s) of the GFI1 protein (p.Ser71_Ser74del), but otherwise preserves the integrity of the reading frame. Experimental studies and prediction algorithms are not available or were not evaluated, and the functional significance of this variant is currently unknown. In summary, the available evidence is currently insufficient to determine the role of this variant in disease. Therefore, it has been classified as a Variant of Uncertain Significance.